The following is an entry in ClinVar:

NM_020706.2(SCAF4):c.1322G>C (p.Arg441Thr)

Gene: SCAF4 (SR-related CTD associated factor 4; minus strand). Cytogenetic location: 21q22.11.
Variant type: single nucleotide variant.
Coding change: c.1322G>C on transcript NM_020706.2 (MANE Select); coding-DNA position 1322, G replaced by C.
Protein change: p.Arg441Thr; replaces arginine 441 with threonine.
Molecular consequence: missense variant.
Genome position (GRCh38, 1-based): chr21:31,694,204, C>G on the plus strand (G>C on the coding strand, the complement: SCAF4 is on the minus strand). VCF-style: chr21-31694204-C-G. GRCh37 (hg19) VCF-style: chr21-33066517-C-G.
Other names: c.1277G>C, p.Arg426Thr (NM_001145444.1); c.1322G>C, p.Arg441Thr (NM_001145445.1); short protein forms R426T, R441T.
Identifiers: ClinVar variation 1064843 (VCV001064843.2), dbSNP rs2123543369, ClinGen allele CA410047751.
Genomic context (GRCh38, chr21:31,694,204, plus strand): 5'-TTTTAATTTCTATGTCCCCTAAGATATACAGGGTTGGAAAAAACATTTTCTATAAATTAC[C>G]TGGATGCTGACCTAGATCTTGACTTTCTGTTATCAGACATATGTCGCTTAACCTCTTGAA-3'
Protein context (NP_065757.1, residues 431-451): NRKSRSRSAS[Arg441Thr]SPKRRRSRSG

ClinVar aggregate classification (germline): Conflicting classifications of pathogenicity. Review status: criteria provided, conflicting classifications (1 of 4 stars). 2 submissions from 2 submitters: Likely pathogenic (1); Uncertain significance (1). Last evaluated 2025-06-18.

Conditions:
Neurodevelopmental disorder. Identifiers: MedGen C1535926, MeSH D065886, MONDO:0700092.

Submissions (2):

GeneDx
Classification: Likely pathogenic. Last evaluated: 2025-06-18. Review status: criteria provided, single submitter. Criteria: GeneDx Variant Classification Process June 2021. Collection method: clinical testing. Allele origin: germline.
Comment: Alters the last nucleotide of the exon and is predicted to destroy the splice donor site and result in aberrant splicing, although in the absence of functional evidence the actual effect of this sequence change is unknown; Not observed at significant frequency in large population cohorts (gnomAD); In silico analysis supports that this missense variant has a deleterious effect on protein structure/function; This variant is associated with the following publications: (PMID: 39668183)

Laboratory of Molecular Genetics (Pr. Bezieau's lab), CHU de Nantes
Classification: Uncertain significance for Neurodevelopmental disorder. Last evaluated: 2021-03-17. Review status: criteria provided, single submitter. Criteria: ACMG Guidelines, 2015. Collection method: clinical testing. Allele origin: germline. Affected: yes.